The following is an entry in ClinVar:

NM_005378.6(MYCN):c.937G>T (p.Ala313Ser)

Gene: MYCN (MYCN proto-oncogene, bHLH transcription factor; plus strand). Cytogenetic location: 2p24.3.
Variant type: single nucleotide variant.
Coding change: c.937G>T on transcript NM_005378.6 (MANE Select); coding-DNA position 937, G replaced by T.
Protein change: p.Ala313Ser; replaces alanine 313 with serine.
Molecular consequence: missense variant. On other transcripts: 3 prime UTR variant (1).
Genome position (GRCh38, 1-based): chr2:15,945,639, G>T. VCF-style: chr2-15945639-G-T. GRCh37 (hg19) VCF-style: chr2-16085761-G-T.
Other names: c.937G>T (NM_005378.4); c.937G>T, p.Ala313Ser (NM_001293228.2); c.304G>T, p.Ala102Ser (NM_001293231.2); c.*872G>T (NM_001293233.2); short protein forms A102S, A313S.
Identifiers: ClinVar variation 1937281 (VCV001937281.6), dbSNP rs866000211, ClinGen allele CA43192479.
Genomic context (GRCh38, chr2:15,945,639, plus strand): 5'-GCTGTCACCACATTCACCATCACTGTGCGTCCCAAGAACGCAGCCCTGGGTCCCGGGAGG[G>T]CTCAGTCCAGCGAGCTGATCCTCAAACGATGCCTTCCCATCCACCAGCAGCACAACTATG-3'
Protein context (NP_005369.2, residues 303-323): PKNAALGPGR[Ala313Ser]QSSELILKRC

ClinVar aggregate classification (germline): Uncertain significance. Review status: criteria provided, multiple submitters, no conflicts (2 of 4 stars). 2 submissions from 2 submitters: Uncertain significance (2). Last evaluated 2024-08-26.

Conditions:
Inborn genetic diseases. Identifiers: MedGen C0950123, MeSH D030342.

Allele frequency attached by ClinVar (database versions not stated): TOPMed 0.00001.

Submissions (2):

Ambry Genetics
Classification: Uncertain significance for Inborn genetic diseases. Last evaluated: 2024-08-26. Review status: criteria provided, single submitter. Criteria: Ambry Variant Classification Scheme 2023. Collection method: clinical testing. Allele origin: germline.

Labcorp Genetics (formerly Invitae), Labcorp
Classification: Uncertain significance. Last evaluated: 2022-08-05. Review status: criteria provided, single submitter. Criteria: Invitae Variant Classification Sherloc (09022015). Collection method: clinical testing. Allele origin: germline.
Comment: This sequence change replaces alanine, which is neutral and non-polar, with serine, which is neutral and polar, at codon 313 of the MYCN protein (p.Ala313Ser). This variant is not present in population databases (gnomAD no frequency). In summary, the available evidence is currently insufficient to determine the role of this variant in disease. Therefore, it has been classified as a Variant of Uncertain Significance. Algorithms developed to predict the effect of missense changes on protein structure and function (SIFT, PolyPhen-2, Align-GVGD) all suggest that this variant is likely to be tolerated. This variant has not been reported in the literature in individuals affected with MYCN-related conditions.